The following is an entry in ClinVar:

NM_002087.4(GRN):c.967_976del (p.Pro323fs)

Gene: GRN (granulin precursor; plus strand). Cytogenetic location: 17q21.31.
Variant type: Deletion.
Coding change: c.967_976del on transcript NM_002087.4 (MANE Select); coding-DNA positions 967 to 976, 10 bases deleted (CCCGCGGGGT; older notation c.967_976delCCCGCGGGGT).
Protein change: p.Pro323fs; shifts the reading frame from proline 323.
Molecular consequence: frameshift variant.
Genome position (GRCh38, 1-based): chr17:44,351,583-44,351,592, CCCGCGGGGT deleted; deleting any 10 consecutive bases within chr17:44,351,581-44,351,592 gives the same sequence; the c. name uses the placement nearest the transcript's 3' end. VCF-style (leftmost placement, unchanged base first): chr17-44351580-TGTCCCGCGGG-T. GRCh37 (hg19) VCF-style: chr17-42428948-TGTCCCGCGGG-T.
Other names: c.967_976del10 (NM_002087.2); short protein forms P323fs.
Identifiers: ClinVar variation 1767743 (VCV001767743.2), dbSNP rs2510057200, ClinGen allele CA645598582.

ClinVar aggregate classification (germline): Pathogenic (1 of 4 stars; one submission).

Conditions:
Inborn genetic diseases. Identifiers: MedGen C0950123, MeSH D030342.

Submission:

Ambry Genetics
Classification: Pathogenic for Inborn genetic diseases. Last evaluated: 2017-11-06. Review status: criteria provided, single submitter. Criteria: Ambry Variant Classification Scheme 2023. Collection method: clinical testing. Allele origin: germline.
Comment: The c.967_976del10 pathogenic mutation, located in coding exon 9 of the GRN gene, results from a deletion of 10 nucleotides at nucleotide positions 967 to 976, causing a translational frameshift with a predicted alternate stop codon (p.P323Lfs*35). This alteration is expected to result in loss of function by premature protein truncation or nonsense-mediated mRNA decay. As such, this alteration is interpreted as a disease-causing mutation.